The following is an entry in ClinVar:

ClinVar aggregate classification (germline): Conflicting classifications of pathogenicity. Review status: criteria provided, conflicting classifications (1 of 4 stars). 3 submissions from 3 submitters: Uncertain significance (2); Benign (1). Last evaluated 2025-06-16.

Conditions:
Tuberous sclerosis 2 (TSC2). Identifiers: Orphanet 805, MedGen C1860707, MONDO:0013199, OMIM 613254.
Hereditary cancer-predisposing syndrome. Also called: Tumor predisposition; Hereditary neoplastic syndrome; Neoplastic Syndromes, Hereditary; Hereditary Cancer Syndrome. Identifiers: Orphanet 140162, MedGen C0027672, MeSH D009386, MONDO:0015356.

Allele frequency attached by ClinVar (database versions not stated): TOPMed below 0.00001.

Submissions (3):

Labcorp Genetics (formerly Invitae), Labcorp
Classification: Benign for Tuberous sclerosis 2. Last evaluated: 2025-06-16. Review status: criteria provided, single submitter. Criteria: Invitae Variant Classification Sherloc (09022015). Collection method: clinical testing. Allele origin: germline.

Ambry Genetics
Classification: Uncertain significance for Hereditary cancer-predisposing syndrome. Last evaluated: 2024-12-16. Review status: criteria provided, single submitter. Criteria: Ambry Variant Classification Scheme 2023. Collection method: clinical testing. Allele origin: germline.
Comment: The p.I819V variant (also known as c.2455A>G), located in coding exon 21 of the TSC2 gene, results from an A to G substitution at nucleotide position 2455. The isoleucine at codon 819 is replaced by valine, an amino acid with highly similar properties. This amino acid position is not well conserved in available vertebrate species. In addition, the in silico prediction for this alteration is inconclusive. Since supporting evidence is limited at this time, the clinical significance of this alteration remains unclear.

GeneDx
Classification: Uncertain significance. Last evaluated: 2022-05-25. Review status: criteria provided, single submitter. Criteria: GeneDx Variant Classification Process June 2021. Collection method: clinical testing. Allele origin: germline. Affected: yes.
Comment: Not observed at significant frequency in large population cohorts (gnomAD); In silico analysis supports that this missense variant does not alter protein structure/function; Has not been previously published as pathogenic or benign to our knowledge

NM_000548.5(TSC2):c.2455A>G (p.Ile819Val)

Gene: TSC2 (TSC complex subunit 2; plus strand). Cytogenetic location: 16p13.3.
Variant type: single nucleotide variant.
Coding change: c.2455A>G on transcript NM_000548.5 (MANE Select); coding-DNA position 2455, A replaced by G.
Protein change: p.Ile819Val; replaces isoleucine 819 with valine.
Molecular consequence: missense variant.
Genome position (GRCh38, 1-based): chr16:2,074,299, A>G. VCF-style: chr16-2074299-A-G. GRCh37 (hg19) VCF-style: chr16-2124300-A-G.
Other names: c.2455A>G, p.Ile819Val (NM_001077183.3, NM_001114382.3, NM_001363528.2 and 3 more transcripts); c.2344A>G, p.Ile782Val (NM_001318827.2); c.2308A>G, p.Ile770Val (NM_001318829.2); c.1855A>G, p.Ile619Val (NM_001318831.2); c.2488A>G, p.Ile830Val (NM_001318832.2); short protein forms I619V, I782V, I819V, I830V, I770V.
Identifiers: ClinVar variation 1525824 (VCV001525824.10), dbSNP rs1426302691, ClinGen allele CA394277487.
Genomic context (GRCh38, chr16:2,074,299, plus strand): 5'-CGCTGTGCCAGCCAGTGCGTCGTGGCCTTGTCCATCTGCAGCGTGGAGATGCCTGACATC[A>G]TCATCAAGGCGCTGCCTGTTCTGGTGGTGAAGCTCACGCACATCTCAGCCACAGCCAGCA-3'
Protein context (NP_000539.2, residues 809-829): SICSVEMPDI[Ile819Val]IKALPVLVVK